The following is an entry in ClinVar:

NM_000112.4(SLC26A2):c.1596del (p.Val533fs)

Gene: SLC26A2 (solute carrier family 26 member 2; plus strand). Cytogenetic location: 5q32.
Variant type: Deletion.
Coding change: c.1596del on transcript NM_000112.4 (MANE Select); coding-DNA position 1596, one base deleted (T; older notation c.1596delT).
Protein change: p.Val533fs; shifts the reading frame from valine 533.
Molecular consequence: frameshift variant.
Genome position (GRCh38, 1-based): chr5:149,981,189, T deleted; the last of 2 consecutive T bases (chr5:149,981,188-149,981,189); deleting either gives the same sequence. VCF-style (leftmost placement, unchanged base first): chr5-149981187-CT-C. GRCh37 (hg19) VCF-style: chr5-149360750-CT-C.
Other names: c.1596del (NM_000112.3); c.1596delT (NM_000112.3); short protein forms V533fs.
Identifiers: ClinVar variation 550730 (VCV000550730.3), dbSNP rs1554095356, ClinGen allele CA658823313.
Genomic context (GRCh38, chr5:149,981,187, plus strand): 5'-ACAGTTATCTGGTTTGTTACTATGCTGTCCTCTGCACTGCTAAGTACTGAAATAGGCCTA[CT>C]TGTTGGGGTTTGTTTTTCTATATTTTGTGTCATCCTCCGCACTCAGAAGCCAAAGAGTTC-3'

ClinVar aggregate classification (germline): Likely pathogenic. Review status: criteria provided, single submitter (1 of 4 stars). 2 submissions from 2 submitters: Likely pathogenic (1). 1 of the submissions does not count toward it. Last evaluated 2024-07-08.

Conditions:
Achondrogenesis, type IB (ACG1B). Also called: Achondrogenesis Type 1B. Identifiers: Orphanet 932, Orphanet 93298, MedGen C0265274, MONDO:0010966, OMIM 600972.
Multiple epiphyseal dysplasia type 4 (EDM4). Also called: MULTIPLE EPIPHYSEAL DYSPLASIA WITH BILAYERED PATELLAE; MULTIPLE EPIPHYSEAL DYSPLASIA WITH CLUBFOOT; MULTIPLE EPIPHYSEAL DYSPLASIA, AUTOSOMAL RECESSIVE; SLC26A2-Related Multiple Epiphyseal Dysplasia; Multiple Epiphyseal Dysplasia, Recessive. Identifiers: Orphanet 93307, MedGen C1847593, MONDO:0009189, OMIM 226900.

Submissions (2):

Natera, Inc.
Classification: Likely pathogenic for Achondrogenesis type IB. Last evaluated: 2024-07-08. Review status: criteria provided, single submitter. Criteria: Natera Variant Classification Schema (03/2026). Collection method: clinical testing. Allele origin: germline.
Comment: The c.1596del variant in SLC26A2 is a frameshift variant predicted to shift the reading frame beginning at codon 533 and leads to a stop codon 52 codons downstream. This variant is expected to result in nonsense mediated decay, truncation, or a dysfunctional protein product. This variant is rare in the general population with a frequency below the threshold expected for the associated phenotype(s). Given the available evidence, this variant is classified as Likely Pathogenic.

Counsyl
Classification: Likely pathogenic for Multiple epiphyseal dysplasia type 4. Last evaluated: 2017-02-13. Review status: no assertion criteria provided. Collection method: clinical testing. Allele origin: unknown. Not counted in ClinVar's aggregate classification.